The following is an entry in ClinVar:

ClinVar aggregate classification (germline): Uncertain significance. Review status: criteria provided, multiple submitters, no conflicts (2 of 4 stars). 2 submissions from 2 submitters: Uncertain significance (2). Last evaluated 2024-02-16.

Conditions:
Martsolf syndrome (MARTS). Also called: Congenital cataract with intellectual disability and hypogonadotropic hypogonadism syndrome. Identifiers: Orphanet 1387, MedGen C0796037, MONDO:0023910.
Warburg micro syndrome 2 (WARBM2). Also called: MICRO SYNDROME 2. Identifiers: Orphanet 2510, MedGen C3280214, MONDO:0013641, OMIM 614225.

Allele frequency attached by ClinVar (database versions not stated): ExAC 0.00002; gnomAD exomes 0.00002 and 0.00003; TOPMed 0.00004; gnomAD 0.00006; ESP Exome Variant Server 0.00008.
gnomAD v4.1: 56 of 1,612,964 alleles (0.0035%); highest among the groups gnomAD compares: Non-Finnish European, 0.0045%; no homozygotes.

Submissions (2):

GeneDx
Classification: Uncertain significance. Last evaluated: 2024-02-16. Review status: criteria provided, single submitter. Criteria: GeneDx Variant Classification Process June 2021. Collection method: clinical testing. Allele origin: germline. Affected: yes.
Comment: In silico analysis supports that this missense variant has a deleterious effect on protein structure/function; Has not been previously published as pathogenic or benign to our knowledge

Labcorp Genetics (formerly Invitae), Labcorp
Classification: Uncertain significance for Martsolf syndrome; Warburg micro syndrome 2. Last evaluated: 2022-07-19. Review status: criteria provided, single submitter. Criteria: Invitae Variant Classification Sherloc (09022015). Collection method: clinical testing. Allele origin: germline.
Comment: This variant has not been reported in the literature in individuals affected with RAB3GAP2-related conditions. This sequence change replaces histidine, which is basic and polar, with arginine, which is basic and polar, at codon 494 of the RAB3GAP2 protein (p.His494Arg). This variant is present in population databases (rs369595057, gnomAD 0.004%). ClinVar contains an entry for this variant (Variation ID: 429822). Algorithms developed to predict the effect of missense changes on protein structure and function (SIFT, PolyPhen-2, Align-GVGD) all suggest that this variant is likely to be tolerated. In summary, the available evidence is currently insufficient to determine the role of this variant in disease. Therefore, it has been classified as a Variant of Uncertain Significance.

NM_012414.4(RAB3GAP2):c.1481A>G (p.His494Arg)

Gene: RAB3GAP2 (RAB3 GTPase activating non-catalytic protein subunit 2; minus strand). Cytogenetic location: 1q41.
Variant type: single nucleotide variant.
Coding change: c.1481A>G on transcript NM_012414.4 (MANE Select); coding-DNA position 1481, A replaced by G.
Protein change: p.His494Arg; replaces histidine 494 with arginine.
Molecular consequence: missense variant.
Genome position (GRCh38, 1-based): chr1:220,191,074, T>C on the plus strand (A>G on the coding strand, the complement: RAB3GAP2 is on the minus strand). VCF-style: chr1-220191074-T-C. GRCh37 (hg19) VCF-style: chr1-220364416-T-C.
Other names: short protein forms H494R.
Identifiers: ClinVar variation 429822 (VCV000429822.8), dbSNP rs369595057, ClinGen allele CA1402689.